The following is an entry in ClinVar:

ClinVar aggregate classification (germline): Conflicting classifications of pathogenicity. Review status: criteria provided, conflicting classifications (1 of 4 stars). 3 submissions from 3 submitters: Uncertain significance (2); Likely benign (1). Last evaluated 2025-05-05.

Conditions:
Neurofibromatosis, type 1 (NF1). Also called: VON RECKLINGHAUSEN DISEASE; NEUROFIBROMATOSIS, TYPE I, SOMATIC; Peripheral type neurofibromatosis; Neurofibromatosis, type I. Identifiers: Orphanet 636, MedGen C0027831, MONDO:0018975, OMIM 162200. Disease mechanism: loss of function.
Cardiovascular phenotype. Identifiers: MedGen CN230736.
Hereditary cancer-predisposing syndrome. Also called: Hereditary Cancer Syndrome; Hereditary neoplastic syndrome; Tumor predisposition; Neoplastic Syndromes, Hereditary. Identifiers: Orphanet 140162, MedGen C0027672, MeSH D009386, MONDO:0015356.

Allele frequency attached by ClinVar (database versions not stated): gnomAD exomes below 0.00001 and 0.00001; ExAC 0.00001; gnomAD 0.00001; TOPMed 0.00001; ESP Exome Variant Server 0.00008.
gnomAD v4.1: 3 of 1,614,020 alleles (0.00019%); highest among the groups gnomAD compares: South Asian, 0.0011%; no homozygotes.

Submissions (3):

Labcorp Genetics (formerly Invitae), Labcorp
Classification: Likely benign for Neurofibromatosis, type 1. Last evaluated: 2025-05-05. Review status: criteria provided, single submitter. Criteria: Invitae Variant Classification Sherloc (09022015). Collection method: clinical testing. Allele origin: germline.

Ambry Genetics
Classification: Uncertain significance for Cardiovascular phenotype; Hereditary cancer-predisposing syndrome. Last evaluated: 2024-01-30. Review status: criteria provided, single submitter. Criteria: Ambry Variant Classification Scheme 2023. Collection method: clinical testing. Allele origin: germline.
Comment: The p.A1197G variant (also known as c.3590C>G), located in coding exon 27 of the NF1 gene, results from a C to G substitution at nucleotide position 3590. The alanine at codon 1197 is replaced by glycine, an amino acid with similar properties. This amino acid position is highly conserved in available vertebrate species. In addition, the in silico prediction for this alteration is inconclusive. Since supporting evidence is limited at this time, the clinical significance of this alteration remains unclear.

Genome-Nilou Lab
Classification: Uncertain significance for Neurofibromatosis, type 1. Last evaluated: 2022-03-15. Review status: criteria provided, single submitter. Criteria: ACMG Guidelines, 2015. Collection method: clinical testing. Allele origin: germline. Affected: no.

NM_001042492.3(NF1):c.3590C>G (p.Ala1197Gly)

Gene: NF1 (neurofibromin 1; plus strand). Cytogenetic location: 17q11.2.
Variant type: single nucleotide variant.
Coding change: c.3590C>G on transcript NM_001042492.3 (MANE Select); coding-DNA position 3590, C replaced by G.
Protein change: p.Ala1197Gly; replaces alanine 1197 with glycine.
Molecular consequence: missense variant.
Genome position (GRCh38, 1-based): chr17:31,233,095, C>G. VCF-style: chr17-31233095-C-G. GRCh37 (hg19) VCF-style: chr17-29560113-C-G.
Other names: c.3590C>G, p.Ala1197Gly (NM_000267.4); short protein forms A1197G.
Identifiers: ClinVar variation 457657 (VCV000457657.14), dbSNP rs370820478, ClinGen allele CA8486196.